The following is an entry in ClinVar:

ClinVar aggregate classification (germline): Uncertain significance (1 of 4 stars; one submission).

Conditions:
Autosomal dominant Parkinson disease 8. Also called: Parkinson disease 8, susceptibility to; LRRK2-Related Parkinson Disease; Parkinson disease 8. Identifiers: Orphanet 411602, MedGen C1846862, MONDO:0011764, OMIM 607060.

Submission:

Labcorp Genetics (formerly Invitae), Labcorp
Classification: Uncertain significance for Autosomal dominant Parkinson disease 8. Last evaluated: 2022-03-18. Review status: criteria provided, single submitter. Criteria: Invitae Variant Classification Sherloc (09022015). Collection method: clinical testing. Allele origin: germline.
Comment: In summary, the available evidence is currently insufficient to determine the role of this variant in disease. Therefore, it has been classified as a Variant of Uncertain Significance. Experimental studies and prediction algorithms are not available or were not evaluated, and the functional significance of this variant is currently unknown. This variant has not been reported in the literature in individuals affected with LRRK2-related conditions. Information on the frequency of this variant in the gnomAD database is not available, as this variant may be reported differently in the database. This variant, c.2166_2167delinsAG, is a complex sequence change that results in the deletion of 2 and insertion of 2 amino acid(s) in the LRRK2 protein (p.Ser722_Ile723delinsArgVal).

NM_198578.4(LRRK2):c.2166_2167delinsAG (p.Ser722_Ile723delinsArgVal)

Gene: LRRK2 (leucine rich repeat kinase 2; plus strand). Cytogenetic location: 12q12.
Variant type: Indel.
Coding change: c.2166_2167delinsAG on transcript NM_198578.4 (MANE Select); coding-DNA positions 2166 to 2167, CA replaced by AG.
Protein change: p.Ser722_Ile723delinsArgVal.
Molecular consequence: missense variant.
Genome position (GRCh38, 1-based): chr12:40,278,186-40,278,187, CA replaced by AG. VCF-style: chr12-40278186-CA-AG. GRCh37 (hg19) VCF-style: chr12-40671988-CA-AG.
Identifiers: ClinVar variation 1984824 (VCV001984824.4), dbSNP rs2499639059, ClinGen allele CA2580085429.